The following is an entry in ClinVar:

ClinVar aggregate classification (germline): Uncertain significance. Review status: criteria provided, multiple submitters, no conflicts (2 of 4 stars). 2 submissions from 2 submitters: Uncertain significance (2). Last evaluated 2022-01-13.

Conditions:
Hyperaldosteronism, familial, type IV (HALD4). Also called: FH IV; ALDOSTERONISM, PRIMARY, AND HYPERTENSION. Identifiers: Orphanet 642671, MedGen C4310756, MONDO:0014875, OMIM 617027.
Epilepsy, childhood absence, susceptibility to, 6. Identifiers: Orphanet 64280, MedGen C2749872, MONDO:0012763, OMIM 611942.
Idiopathic generalized epilepsy. Also called: Generalised epilepsy; EIG. Identifiers: MedGen C0270850, MONDO:0005579, OMIM 600669.

Allele frequency attached by ClinVar (database versions not stated): gnomAD exomes below 0.00001; TOPMed below 0.00001; gnomAD 0.00001.

Submissions (2):

Fulgent Genetics
Classification: Uncertain significance for Epilepsy, childhood absence, susceptibility to, 6; Hyperaldosteronism, familial, type IV. Last evaluated: 2022-01-13. Review status: criteria provided, single submitter. Criteria: ACMG Guidelines, 2015. Collection method: clinical testing. Allele origin: unknown.

Labcorp Genetics (formerly Invitae), Labcorp
Classification: Uncertain significance for Idiopathic generalized epilepsy; Hyperaldosteronism, familial, type IV. Last evaluated: 2021-02-02. Review status: criteria provided, single submitter. Criteria: Invitae Variant Classification Sherloc (09022015). Collection method: clinical testing. Allele origin: germline.
Comment: This sequence change replaces arginine with cysteine at codon 890 of the CACNA1H protein (p.Arg890Cys). The arginine residue is highly conserved and there is a large physicochemical difference between arginine and cysteine. This variant is not present in population databases (ExAC no frequency). This variant has not been reported in the literature in individuals with CACNA1H-related conditions. Algorithms developed to predict the effect of missense changes on protein structure and function (SIFT, PolyPhen-2, Align-GVGD) all suggest that this variant is likely to be disruptive, but these predictions have not been confirmed by published functional studies and their clinical significance is uncertain. Algorithms developed to predict the effect of sequence changes on RNA splicing suggest that this variant may create or strengthen a splice site, but this prediction has not been confirmed by published transcriptional studies. In summary, the available evidence is currently insufficient to determine the role of this variant in disease. Therefore, it has been classified as a Variant of Uncertain Significance.

NM_021098.3(CACNA1H):c.2668C>T (p.Arg890Cys)

Gene: CACNA1H (calcium voltage-gated channel subunit alpha1 H; plus strand). Cytogenetic location: 16p13.3.
Variant type: single nucleotide variant.
Coding change: c.2668C>T on transcript NM_021098.3 (MANE Select); coding-DNA position 2668, C replaced by T.
Protein change: p.Arg890Cys; replaces arginine 890 with cysteine.
Molecular consequence: missense variant.
Genome position (GRCh38, 1-based): chr16:1,206,168, C>T. VCF-style: chr16-1206168-C-T. GRCh37 (hg19) VCF-style: chr16-1256168-C-T.
Other names: c.2668C>T, p.Arg890Cys (NM_001005407.2); short protein forms R890C.
Identifiers: ClinVar variation 1446955 (VCV001446955.9), dbSNP rs1446439397, ClinGen allele CA394168824.